The following is an entry in ClinVar:

ClinVar aggregate classification (germline): Uncertain significance (1 of 4 stars; one submission).

Conditions:
Familial thoracic aortic aneurysm and aortic dissection (TAAD). Also called: Thoracic aortic aneurysms and dissections. Identifiers: Orphanet 91387, MedGen C4707243, MONDO:0019625.

gnomAD v4.1: 2 of 1,592,550 alleles (0.00013%); highest among the groups gnomAD compares: Non-Finnish European, 0.00017%; no homozygotes.

Submission:

Color Diagnostics, LLC DBA Color Health
Classification: Uncertain significance for Familial thoracic aortic aneurysm and aortic dissection. Last evaluated: 2025-06-30. Review status: criteria provided, single submitter. Criteria: ACMG Guidelines, 2015. Collection method: clinical testing. Allele origin: germline.
Comment: This missense variant replaces alanine with serine at codon 691 of the COL3A1 protein. Computational prediction suggests that this variant may not impact protein structure and function. To our knowledge, functional studies have not been reported for this variant. This variant has not been reported in individuals affected with COL3A1-related disorders in the literature. This variant has not been identified in the general population by the Genome Aggregation Database (gnomAD). The available evidence is insufficient to determine the role of this variant in disease conclusively. Therefore, this variant is classified as a Variant of Uncertain Significance.

NM_000090.4(COL3A1):c.2071G>T (p.Ala691Ser)

Gene: COL3A1 (collagen type III alpha 1 chain; plus strand). Cytogenetic location: 2q32.2.
Variant type: single nucleotide variant.
Coding change: c.2071G>T on transcript NM_000090.4 (MANE Select); coding-DNA position 2071, G replaced by T.
Protein change: p.Ala691Ser; replaces alanine 691 with serine.
Molecular consequence: missense variant.
Genome position (GRCh38, 1-based): chr2:188,999,333, G>T. VCF-style: chr2-188999333-G-T. GRCh37 (hg19) VCF-style: chr2-189864059-G-T.
Other names: short protein forms A691S.
Identifiers: ClinVar variation 4757436 (VCV004757436.1).
Genomic context (GRCh38, chr2:188,999,333, plus strand): 5'-TTTTTGTCACAGGGTGATGCTGGTGCCCCTGGTGAACGTGGACCTCCTGGATTGGCAGGG[G>T]CCCCAGGACTTAGAGGTGGAGCTGGTCCCCCTGGTCCCGAAGGAGGAAAGGTAACTCCAC-3'
Protein context (NP_000081.2, residues 681-701): GERGPPGLAG[Ala691Ser]PGLRGGAGPP